The following is an entry in ClinVar:

ClinVar aggregate classification (germline): Benign. Review status: criteria provided, multiple submitters, no conflicts (2 of 4 stars). 3 submissions from 3 submitters: Benign (3). Last evaluated 2026-02-04.

Allele frequency attached by ClinVar (database versions not stated): ESP Exome Variant Server 0.87060; TOPMed 0.87248; 1000 Genomes Project 0.88458; 1000 Genomes Project 30x 0.88773; gnomAD exomes 0.82537 and 0.83405; ExAC 0.83842; gnomAD 0.86236 and 0.86429.
gnomAD v4.1: 1,338,515 of 1,613,062 alleles (83%); highest among the groups gnomAD compares: East Asian, 96%; 557,097 homozygotes.

Submissions (3):

Labcorp Genetics (formerly Invitae), Labcorp
Classification: Benign. Last evaluated: 2026-02-04. Review status: criteria provided, single submitter. Criteria: Invitae Variant Classification Sherloc (09022015). Collection method: clinical testing. Allele origin: germline.

Laboratory for Molecular Medicine, Mass General Brigham Personalized Medicine
Classification: Benign. Last evaluated: 2016-03-29. Review status: criteria provided, single submitter. Criteria: LMM Criteria. Collection method: clinical testing. Allele origin: germline.
Comment: Variant identified in a genome or exome case(s) and assessed due to predicted null impact of the variant or pathogenic assertions in the literature or databases. Disclaimer: This variant has not undergone full assessment. The following are preliminary notes: Frequency

Breakthrough Genomics
Classification: Benign. Review status: criteria provided, single submitter. Criteria: ACMG Guidelines, 2015. Collection method: not provided. Allele origin: germline. Inheritance: Autosomal recessive inheritance. Affected: yes.

NM_152327.5(AK7):c.1167C>G (p.Asn389Lys)

Gene: AK7 (adenylate kinase 7; plus strand). Cytogenetic location: 14q32.2.
Variant type: single nucleotide variant.
Coding change: c.1167C>G on transcript NM_152327.5 (MANE Select); coding-DNA position 1167, C replaced by G.
Protein change: p.Asn389Lys; replaces asparagine 389 with lysine.
Molecular consequence: missense variant.
Genome position (GRCh38, 1-based): chr14:96,456,415, C>G. VCF-style: chr14-96456415-C-G. GRCh37 (hg19) VCF-style: chr14-96922752-C-G.
Other names: c.1167C>G, p.Asn389Lys (NM_001350888.2, NM_001350890.2, NM_001350892.2); c.1089C>G, p.Asn363Lys (NM_001350891.2); short protein forms N389K, N363K.
Identifiers: ClinVar variation 402363 (VCV000402363.13), dbSNP rs2369679, ClinGen allele CA7337764.